The following is an entry in ClinVar:

ClinVar aggregate classification (germline): Uncertain significance (1 of 4 stars; one submission).

Conditions:
Adenylosuccinate lyase deficiency (ADSLD). Also called: ADSL DEFICIENCY. Identifiers: Orphanet 46, MedGen C0268126, MONDO:0007068, OMIM 103050.

Allele frequency attached by ClinVar (database versions not stated): TOPMed 0.00002; gnomAD 0.00001 and 0.00002.

Submission:

Labcorp Genetics (formerly Invitae), Labcorp
Classification: Uncertain significance for Adenylosuccinate lyase deficiency. Last evaluated: 2022-07-19. Review status: criteria provided, single submitter. Criteria: Invitae Variant Classification Sherloc (09022015). Collection method: clinical testing. Allele origin: germline.
Comment: Experimental studies and prediction algorithms are not available or were not evaluated, and the functional significance of this variant is currently unknown. This variant has not been reported in the literature in individuals affected with ADSL-related conditions. This variant is not present in population databases (gnomAD no frequency). This variant occurs in a non-coding region of the ADSL gene. It does not change the encoded amino acid sequence of the ADSL protein. In summary, the available evidence is currently insufficient to determine the role of this variant in disease. Therefore, it has been classified as a Variant of Uncertain Significance.

NC_000022.11:g.40346280T>A

Gene: ADSL (adenylosuccinate lyase; plus strand). Cytogenetic location: 22q13.1.
Variant type: single nucleotide variant.
Genome position: GRCh38 VCF-style: chr22-40346280-T-A. GRCh37 (hg19) VCF-style: chr22-40742284-T-A.
Identifiers: ClinVar variation 1517477 (VCV001517477.4), dbSNP rs1301796620, ClinGen allele CA753180002.